The following is an entry in ClinVar:

ClinVar aggregate classification (germline): Benign. Review status: reviewed by expert panel (3 of 4 stars). 15 submissions from 15 submitters: Benign (1). 14 of the submissions do not count toward it. Last evaluated 2026-11-22.

Conditions:
Chuvash polycythemia. Also called: POLYCYTHEMIA, VHL-DEPENDENT. Identifiers: Orphanet 238557, MedGen C1837915, MONDO:0009892, OMIM 263400.
Von Hippel-Lindau syndrome (VHLS). Also called: VHL syndrome; Von Hippel-Lindau; von Hippel–Lindau syndrome. Identifiers: Orphanet 892, MedGen C0019562, MONDO:0008667, OMIM 193300. Disease mechanism: loss of function.
VHL-related disorder. Also called: VHL-related condition.
Hereditary cancer-predisposing syndrome. Also called: Hereditary Cancer Syndrome; Tumor predisposition; Neoplastic Syndromes, Hereditary; Hereditary neoplastic syndrome. Identifiers: Orphanet 140162, MedGen C0027672, MeSH D009386, MONDO:0015356.

Allele frequency attached by ClinVar (database versions not stated): TOPMed 0.00002; 1000 Genomes Project 0.00060; ExAC 0.00005; gnomAD 0.00007 and 0.00004; 1000 Genomes Project 30x 0.00047; gnomAD exomes 0.00002.
gnomAD v4.1: 56 of 1,613,786 alleles (0.0035%); highest among the groups gnomAD compares: Middle Eastern, 0.082%; 1 homozygote.

Submissions 1 to 9 of 15:

ClinGen VHL Variant Curation Expert Panel, ClinGen
Classification: Benign for Von Hippel-Lindau syndrome. Last evaluated: 2026-11-22. Review status: reviewed by expert panel. Criteria: ClinGen VHL ACMG Specifications VHL V1.1.0. Collection method: curation. Allele origin: germline. Inheritance: Autosomal dominant inheritance.
Comment: The VHL variant NM_000551.4:c.631A>C (p.Met211Leu) (rs200019083) is a missense variant in VHL exon 3 of 3. The affected residue at codon 211 lies outside every annotated functional domain of VHL (β-domain (HIF-α binding) 63–154, α-domain (Elongin C binding) 155–192, β'-domain (second β return strand) 193–204). In ClinVar, this variant has 13 submissions and has been classified as VUS by 8 labs; likely benign by 4 labs; benign by 1 lab. The GroupMax Filtering Allele Frequency (95% CI) in gnomAD v4.1.0 is 0.0003561 (36/75042 in African/African American decent). This is higher than the ClinGen VHL VCEP threshold of >=0.000156 (0.0156%) threshold expected for VHL disease and therefore meets BA1 criterion (stand-alone benign). Further evidence evaluation: REVEL does not provide a conclusive prediction, however functional studies using MAVE/SGE assay data (Buckley et al., Nat Genet 2024; via MaveDB (Rubin AF et al., MaveDB 2024, Genome Biol 2025;26:13); MaveDB: urn:mavedb:00000675-a-1) produced a score of 0.124 (q=0.937), indicating normal function (BS3_Moderate). The variant has been observed in an individual with breast cancer (PMID: 28202063) and renal cell carcinoma (PMID: 31034483), score = 0.25. Therefore PS4 is not met. In summary, this variant meets BA1 (stand-alone benign criteria) and is classified as Benign for autosomal-dominant von Hippel Lindau syndrome (VHL syndrome) based on the ACMG/AMP criteria applied, as specified by the ClinGen VHL VCEP Version 1.1.0 (Specifications approval date: 01/10/2025). Variant Approval Date 11/22/2026.

PreventionGenetics, part of Exact Sciences
Classification: Uncertain significance for VHL-related condition. Last evaluated: 2026-03-26. Review status: criteria provided, single submitter. Criteria: ACMG Guidelines, 2015. Collection method: clinical testing. Allele origin: germline. Not counted in ClinVar's aggregate classification.
Comment: The VHL c.631A>C variant is predicted to result in the amino acid substitution p.Met211Leu. This variant was reported in individuals with renal cell carcinoma or breast cancer (Jalkh et al 2017. PubMed ID: 28202063; Christensen MB et al 2019. PubMed ID: 31034483); however, variants in other genes were also reported. This variant is reported in 0.016% of alleles in individuals of African descent in gnomAD. This variant has conflicting interpretations in ClinVar ranging from uncertain to likely benign (Variation ID: 182990). Although we suspect that this variant may be benign, at this time, the clinical significance of this variant is uncertain due to the absence of conclusive functional and genetic evidence.

Labcorp Genetics (formerly Invitae), Labcorp
Classification: Uncertain significance for Von Hippel-Lindau syndrome; Chuvash polycythemia. Last evaluated: 2026-01-26. Review status: criteria provided, single submitter. Criteria: Invitae Variant Classification Sherloc (09022015). Collection method: clinical testing. Allele origin: germline. Not counted in ClinVar's aggregate classification.
Comment: This sequence change replaces methionine, which is neutral and non-polar, with leucine, which is neutral and non-polar, at codon 211 of the VHL protein (p.Met211Leu). This variant is present in population databases (rs200019083, gnomAD 0.02%). This missense change has been observed in individual(s) with breast cancer or renal cell carcinoma (PMID: 28202063, 31034483). ClinVar contains an entry for this variant (Variation ID: 182990). An algorithm developed to predict the effect of missense changes on protein structure and function outputs the following: PolyPhen-2: "Benign". The leucine amino acid residue is found in multiple mammalian species, which suggests that this missense change does not adversely affect protein function. In summary, the available evidence is currently insufficient to determine the role of this variant in disease. Therefore, it has been classified as a Variant of Uncertain Significance.

Center for Genomic Medicine, Rigshospitalet, Copenhagen University Hospital
Classification: Benign. Last evaluated: 2025-03-04. Review status: criteria provided, single submitter. Criteria: ACMG Guidelines, 2015. Collection method: clinical testing. Allele origin: germline. Not counted in ClinVar's aggregate classification.

Blueprint Genetics
Classification: Likely benign. Last evaluated: 2024-09-04. Review status: criteria provided, single submitter. Criteria: ACMG Guidelines, 2015. Collection method: clinical testing. Allele origin: germline. Not counted in ClinVar's aggregate classification.

Myriad Genetics, Inc.
Classification: Likely benign for Von Hippel-Lindau syndrome. Last evaluated: 2024-08-26. Review status: criteria provided, single submitter. Criteria: Myriad Autosomal Dominant, Autosomal Recessive and X-Linked Classification Criteria (2023). Collection method: clinical testing. Allele origin: unknown. Not counted in ClinVar's aggregate classification.
Comment: This variant is considered likely benign. This variant has been observed at a population frequency that is significantly greater than expected given the associated disease prevalence and penetrance.

All of Us Research Program, National Institutes of Health
Classification: Uncertain significance for Von Hippel-Lindau syndrome. Last evaluated: 2024-07-20. Review status: criteria provided, single submitter. Criteria: ACMG Guidelines, 2015. Collection method: clinical testing. Allele origin: germline. Inheritance: Autosomal dominant inheritance. Observed: 10 variant alleles, 10 heterozygotes. Not counted in ClinVar's aggregate classification.
Comment: This missense variant replaces methionine with leucine at codon 211 of the VHL protein. Computational prediction is inconclusive regarding the impact of this variant on protein structure and function (internally defined REVEL score threshold 0.5 < inconclusive < 0.7, PMID: 27666373). To our knowledge, functional studies have not been reported for this variant. This variant has been reported in an individual affected with sporadic renal cell carcinoma along with a second VHL variant, c.3G>A, who lacks other manifestations or family history of von Hippel-Lindau syndrome (PMID: 31034483). This variant has been identified in 6/282108 chromosomes in the general population by the Genome Aggregation Database (gnomAD). The available evidence is insufficient to determine the role of this variant in disease conclusively. Therefore, this variant is classified as a Variant of Uncertain Significance.

This study involves interpretation of variants in research participants for the purpose of population health screening. Participant phenotype was not available at the time of variant classification. Additional details can be found in publication PMID: 35346344, PMCID: PMC8962531

St. Jude Molecular Pathology, St. Jude Children's Research Hospital
Classification: Uncertain significance for Von Hippel-Lindau syndrome. Last evaluated: 2024-06-27. Review status: criteria provided, single submitter. Criteria: St. Jude Assertion Criteria 2020. Collection method: clinical testing. Allele origin: germline. Not counted in ClinVar's aggregate classification.
Comment: The VHL c.631A>C (p.Met211Leu) missense change has a maximum subpopulation frequency of 0.016% in gnomAD v2.1.1. The in silico tool REVEL is inconclusive about a pathogenic or benign effect of this variant on protein function, and to our knowledge, functional studies have not been performed. A VHL-specific in silico multiparametric scoring algorithm indicated that this variant is more likely to be low risk (PMID: 33151962). This variant has been reported in individuals with breast cancer (PMID: 28202063) and renal cell carcinoma (PMID: 31034483). To our knowledge, this variant has not been reported in individuals with Von Hippel-Lindau disease. In summary, the evidence currently available is insufficient to determine the role of this variant in disease. It has therefore been classified as of uncertain significance.

Quest Diagnostics Nichols Institute San Juan Capistrano
Classification: Uncertain significance. Last evaluated: 2024-05-17. Review status: criteria provided, single submitter. Criteria: Quest Diagnostics criteria. Collection method: clinical testing. Allele origin: unknown. Not counted in ClinVar's aggregate classification.

NM_000551.4(VHL):c.631A>C (p.Met211Leu)

Genes: VHL (von Hippel-Lindau tumor suppressor; plus strand), LOC107303340 (3p25 von Hippel-Lindau tumor suppressor, E3 ubiquitin protein ligase Alu-mediated recombination region; plus strand). Cytogenetic location: 3p25.3.
Variant type: single nucleotide variant.
Coding change: c.631A>C on transcript NM_000551.4 (MANE Select); coding-DNA position 631, A replaced by C.
Protein change: p.Met211Leu; replaces methionine 211 with leucine.
Molecular consequence: missense variant. On other transcripts: 3 prime UTR variant (1).
Genome position (GRCh38, 1-based): chr3:10,149,954, A>C. VCF-style: chr3-10149954-A-C. GRCh37 (hg19) VCF-style: chr3-10191638-A-C.
Other names: p.M211L:ATG>CTG; NM_000551.4(VHL):c.631A>C; p.Met211Leu; c.*185A>C (NM_001354723.2); c.508A>C, p.Met170Leu (NM_198156.3); short protein forms M211L, M170L.
Identifiers: ClinVar variation 182990 (VCV000182990.34), dbSNP rs200019083, ClinGen allele CA020534.